The following is an entry in ClinVar:

ClinVar aggregate classification (germline): Pathogenic (1 of 4 stars; one submission).

Conditions:
Wilms tumor 1 (WT1). Also called: Wilms tumor, somatic. Identifiers: Orphanet 654, MedGen CN033288, MONDO:0008679, OMIM 194070.
11p partial monosomy syndrome (WAGR). Also called: CHROMOSOME 11p13 DELETION SYNDROME; WAGR Spectrum Disorder; WAGR syndrome; WAGR Complex. Identifiers: Orphanet 893, MedGen C0206115, MONDO:0008681, OMIM 194072.
Frasier syndrome. Identifiers: Orphanet 347, MedGen C0950122, MeSH D052159, MONDO:0007635, OMIM 136680.
Drash syndrome (DDS). Also called: NEPHROPATHY, WILMS TUMOR, AND GENITAL ANOMALIES; WILMS TUMOR AND PSEUDO- OR TRUE HERMAPHRODITISM. Identifiers: Orphanet 220, MedGen C0950121, MONDO:0008682, OMIM 194080.

Submission:

Labcorp Genetics (formerly Invitae), Labcorp
Classification: Pathogenic for Wilms tumor 1; Drash syndrome; 11p partial monosomy syndrome; Frasier syndrome. Last evaluated: 2017-12-09. Review status: criteria provided, single submitter. Criteria: Invitae Variant Classification Sherloc (09022015). Collection method: clinical testing. Allele origin: germline.
Comment: This sequence change creates a premature translational stop signal (p.Val379Tyrfs*70) in the WT1 gene. It is expected to result in an absent or disrupted protein product. This variant is not present in population databases (ExAC no frequency). For these reasons, this variant has been classified as Pathogenic. Loss-of-function variants in WT1 are known to be pathogenic (PMID: 15150775). This variant has been reported in an individual affected with Wilms tumor (PMID: 15150775). This variant is also known as 929del1 (L310fs380X) in the literature.

Literature cited by the submitters: PubMed 15150775.

NM_024426.6(WT1):c.1149del (p.Val384fs)

Gene: WT1 (WT1 transcription factor; minus strand). Cytogenetic location: 11p13.
Variant type: Deletion.
Coding change: c.1149del on transcript NM_024426.6 (MANE Select); coding-DNA position 1149, one base deleted (T; older notation c.1149delT).
Protein change: p.Val384fs; shifts the reading frame from valine 384.
Molecular consequence: frameshift variant. On other transcripts: 5 prime UTR variant (1), non-coding transcript variant (1).
Genome position (GRCh38, 1-based): chr11:32,396,372, A deleted on the plus strand (T on the coding strand, the reverse complement: WT1 is on the minus strand); the first of 2 consecutive A bases (chr11:32,396,372-32,396,373); deleting either gives the same sequence. VCF-style (leftmost placement, unchanged base first): chr11-32396371-CA-C. GRCh37 (hg19) VCF-style: chr11-32417917-CA-C.
Other names: c.1098del, p.Val367fs (NM_000378.6); c.497delT, p.Val167Tyrfs (NM_001198551.2); c.447del, p.Val150fs (NM_001198552.2); c.-40del (NM_001367854.1); c.1142delT, p.Val382Tyrfs (NM_001407044.1); c.1097delT, p.Val367Tyrfs (NM_001407045.1, NM_001407048.1, NM_001407049.1); c.1148delT, p.Val384Tyrfs (NM_001407046.1); c.1025delT, p.Val343Tyrfs (NM_001407047.1); and 4 more; short protein forms V384fs, V150fs, V167fs, V367fs.
Identifiers: ClinVar variation 543120 (VCV000543120.10), dbSNP rs1554939839, ClinGen allele CA658797607.